The following is an entry in ClinVar:

NM_033028.5(BBS4):c.948C>A (p.Thr316=)

Gene: BBS4 (Bardet-Biedl syndrome 4; plus strand). Cytogenetic location: 15q24.1.
Variant type: single nucleotide variant.
Coding change: c.948C>A on transcript NM_033028.5 (MANE Select); coding-DNA position 948, C replaced by A.
Protein change: p.Thr316=; no amino-acid change (threonine 316 retained).
Molecular consequence: synonymous variant. On other transcripts: non-coding transcript variant (2).
Genome position (GRCh38, 1-based): chr15:72,731,638, C>A. VCF-style: chr15-72731638-C-A. GRCh37 (hg19) VCF-style: chr15-73023979-C-A.
Other names: c.432C>A, p.Thr144= (NM_001252678.2); c.879C>A, p.Thr293= (NM_001320665.2).
Identifiers: ClinVar variation 3028943 (VCV003028943.4), dbSNP rs1398492973, ClinGen allele CA491476863.

ClinVar aggregate classification (germline): Likely benign. Review status: criteria provided, single submitter (1 of 4 stars). 2 submissions from 2 submitters: Likely benign (1). 1 of the submissions does not count toward it. Last evaluated 2024-01-31.

Conditions:
BBS4-related disorder. Also called: BBS4-related condition.
Bardet-Biedl syndrome (BBS). Identifiers: Orphanet 110, MedGen C0752166, MONDO:0015229.

Allele frequency attached by ClinVar (database versions not stated): gnomAD exomes below 0.00001; TOPMed below 0.00001; gnomAD 0.00001.
gnomAD v4.1: 2 of 1,614,080 alleles (0.00012%); highest among the groups gnomAD compares: African/African-American, 0.0013%; no homozygotes.

Submissions (2):

Labcorp Genetics (formerly Invitae), Labcorp
Classification: Likely benign for Bardet-Biedl syndrome. Last evaluated: 2024-01-31. Review status: criteria provided, single submitter. Criteria: Invitae Variant Classification Sherloc (09022015). Collection method: clinical testing. Allele origin: germline.

PreventionGenetics, part of Exact Sciences
Classification: Likely benign for BBS4-related condition. Last evaluated: 2023-12-07. Review status: no assertion criteria provided. Collection method: clinical testing. Allele origin: germline. Not counted in ClinVar's aggregate classification.
Comment: This variant is classified as likely benign based on ACMG/AMP sequence variant interpretation guidelines (Richards et al. 2015 PMID: 25741868, with internal and published modifications).